The following is an entry in ClinVar:

ClinVar aggregate classification (germline): Likely benign (1 of 4 stars; one submission).

Allele frequency attached by ClinVar (database versions not stated): gnomAD exomes below 0.00001.
gnomAD v4.1: 2 of 1,604,872 alleles (0.00012%); highest among the groups gnomAD compares: Admixed American, 0.0017%; no homozygotes.

Submission:

GeneDx
Classification: Likely benign. Last evaluated: 2016-12-23. Review status: criteria provided, single submitter. Criteria: GeneDx Variant Classification (06012015). Collection method: clinical testing. Allele origin: germline. Affected: yes.
Comment: This variant is considered likely benign or benign based on one or more of the following criteria: it is a conservative change, it occurs at a poorly conserved position in the protein, it is predicted to be benign by multiple in silico algorithms, and/or has population frequency not consistent with disease.

NM_006514.4(SCN10A):c.2106+9T>C

Gene: SCN10A (sodium voltage-gated channel alpha subunit 10; minus strand). Cytogenetic location: 3p22.2.
Variant type: single nucleotide variant.
Coding change: c.2106+9T>C on transcript NM_006514.4 (MANE Select); 9 bases into the intron after coding-DNA position 2106, T replaced by C.
Molecular consequence: intron variant.
Genome position (GRCh38, 1-based): chr3:38,742,282, A>G on the plus strand (T>C on the coding strand, the complement: SCN10A is on the minus strand). VCF-style: chr3-38742282-A-G. GRCh37 (hg19) VCF-style: chr3-38783773-A-G.
Other names: c.1812+9T>C (NM_001293307.2); c.2106+9T>C (NM_001293306.2).
Identifiers: ClinVar variation 391725 (VCV000391725.1), dbSNP rs1057524209, ClinGen allele CA16604932.